The following is an entry in ClinVar:

ClinVar aggregate classification (germline): Uncertain significance (1 of 4 stars; one submission).

gnomAD v4.1: 6 of 1,602,262 alleles (0.00037%); highest among the groups gnomAD compares: African/African-American, 0.0013%; no homozygotes.

Submission:

Ambry Genetics
Classification: Uncertain significance. Last evaluated: 2024-04-04. Review status: criteria provided, single submitter. Criteria: Ambry Variant Classification Scheme 2023. Collection method: clinical testing. Allele origin: germline.
Comment: The p.Q256K variant (also known as c.766C>A), located in coding exon 8 of the NEBL gene, results from a C to A substitution at nucleotide position 766. The glutamine at codon 256 is replaced by lysine, an amino acid with similar properties. This amino acid position is conserved. In addition, this alteration is predicted to be tolerated by in silico analysis. Based on the available evidence, the clinical significance of this variant remains unclear.

NM_006393.3(NEBL):c.766C>A (p.Gln256Lys)

Gene: NEBL (nebulette; minus strand). Cytogenetic location: 10p12.31.
Variant type: single nucleotide variant.
Coding change: c.766C>A on transcript NM_006393.3 (MANE Select); coding-DNA position 766, C replaced by A.
Protein change: p.Gln256Lys; replaces glutamine 256 with lysine.
Molecular consequence: missense variant. On other transcripts: intron variant (9).
Genome position (GRCh38, 1-based): chr10:20,859,745, G>T on the plus strand (C>A on the coding strand, the complement: NEBL is on the minus strand). VCF-style: chr10-20859745-G-T. GRCh37 (hg19) VCF-style: chr10-21148674-G-T.
Other names: c.250-46805C>A (NM_001377326.1, NM_001377327.1, NM_001377328.1); c.358-46805C>A (NM_213569.2, NM_001173484.2, NM_001377322.1); c.301-46805C>A (NM_001377324.1); c.292-46805C>A (NM_001377325.1); c.310-46805C>A (NM_001377323.1); short protein forms Q256K.
Identifiers: ClinVar variation 3299108 (VCV003299108.1).
Genomic context (GRCh38, chr10:20,859,745, plus strand): 5'-AAATAATTTTCTATGAATTACAACTTACATTGCTCGCCAGTGTAGCAGCAAGCTGATTCT[G>T]CCTAAAAGAAGCACTTTCAAGAGGATTGTAATGATGTTTCTTATCCTTCATTTCATTATC-3'
Protein context (NP_006384.1, residues 246-266): YNPLESASFR[Gln256Lys]NQLAATLASN